The following is an entry in ClinVar:

NM_024577.4(SH3TC2):c.578A>G (p.Lys193Arg)

Gene: SH3TC2 (SH3 domain and tetratricopeptide repeats 2; minus strand). Cytogenetic location: 5q32.
Variant type: single nucleotide variant.
Coding change: c.578A>G on transcript NM_024577.4 (MANE Select); coding-DNA position 578, A replaced by G.
Protein change: p.Lys193Arg; replaces lysine 193 with arginine.
Molecular consequence: missense variant.
Genome position (GRCh38, 1-based): chr5:149,041,569, T>C on the plus strand (A>G on the coding strand, the complement: SH3TC2 is on the minus strand). VCF-style: chr5-149041569-T-C. GRCh37 (hg19) VCF-style: chr5-148421132-T-C.
Other names: short protein forms K193R.
Identifiers: ClinVar variation 961334 (VCV000961334.8), dbSNP rs569256459, ClinGen allele CA128997462.

ClinVar aggregate classification (germline): Uncertain significance. Review status: criteria provided, multiple submitters, no conflicts (2 of 4 stars). 2 submissions from 2 submitters: Uncertain significance (2). Last evaluated 2022-07-19.

Conditions:
Inborn genetic diseases. Identifiers: MedGen C0950123, MeSH D030342.
Charcot-Marie-Tooth disease type 4. Also called: Charcot-Marie-Tooth disease, type IV; Charcot-Marie-Tooth, Type 4. Identifiers: Orphanet 64749, MedGen C4082197, MONDO:0018995.

Allele frequency attached by ClinVar (database versions not stated): gnomAD exomes below 0.00001 and 0.00001; gnomAD 0.00001; TOPMed 0.00002.
gnomAD v4.1: 13 of 1,614,032 alleles (0.00081%); highest among the groups gnomAD compares: Non-Finnish European, 0.001%; no homozygotes.

Submissions (2):

Ambry Genetics
Classification: Uncertain significance for Inborn genetic diseases. Last evaluated: 2022-07-19. Review status: criteria provided, single submitter. Criteria: Ambry Variant Classification Scheme 2023. Collection method: clinical testing. Allele origin: germline.

Labcorp Genetics (formerly Invitae), Labcorp
Classification: Uncertain significance for Charcot-Marie-Tooth disease type 4. Last evaluated: 2022-05-27. Review status: criteria provided, single submitter. Criteria: Invitae Variant Classification Sherloc (09022015). Collection method: clinical testing. Allele origin: germline.
Comment: This variant has not been reported in the literature in individuals affected with SH3TC2-related conditions. In summary, the available evidence is currently insufficient to determine the role of this variant in disease. Therefore, it has been classified as a Variant of Uncertain Significance. Advanced modeling of protein sequence and biophysical properties (such as structural, functional, and spatial information, amino acid conservation, physicochemical variation, residue mobility, and thermodynamic stability) performed at Invitae indicates that this missense variant is not expected to disrupt SH3TC2 protein function. ClinVar contains an entry for this variant (Variation ID: 961334). This variant is present in population databases (rs569256459, gnomAD 0.002%). This sequence change replaces lysine, which is basic and polar, with arginine, which is basic and polar, at codon 193 of the SH3TC2 protein (p.Lys193Arg).